The following is an entry in ClinVar:

NM_001040108.2(MLH3):c.3260T>C (p.Val1087Ala)

Gene: MLH3 (mutL homolog 3; minus strand). Cytogenetic location: 14q24.3.
Variant type: single nucleotide variant.
Coding change: c.3260T>C on transcript NM_001040108.2 (MANE Select); coding-DNA position 3260, T replaced by C.
Protein change: p.Val1087Ala; replaces valine 1087 with alanine.
Molecular consequence: missense variant.
Genome position (GRCh38, 1-based): chr14:75,046,396, A>G on the plus strand (T>C on the coding strand, the complement: MLH3 is on the minus strand). VCF-style: chr14-75046396-A-G. GRCh37 (hg19) VCF-style: chr14-75513099-A-G.
Other names: c.3260T>C, p.Val1087Ala (NM_014381.3); short protein forms V1087A.
Identifiers: ClinVar variation 3396736 (VCV003396736.1).

ClinVar aggregate classification (germline): Uncertain significance (1 of 4 stars; one submission).

Submission:

Ambry Genetics
Classification: Uncertain significance. Last evaluated: 2024-10-04. Review status: criteria provided, single submitter. Criteria: Ambry Variant Classification Scheme 2023. Collection method: clinical testing. Allele origin: germline.
Comment: The p.V1087A variant (also known as c.3260T>C), located in coding exon 1 of the MLH3 gene, results from a T to C substitution at nucleotide position 3260. The valine at codon 1087 is replaced by alanine, an amino acid with similar properties. This amino acid position is conserved. In addition, this alteration is predicted to be deleterious by in silico analysis. Based on the available evidence, the clinical significance of this variant remains unclear.